The following is an entry in ClinVar:

NM_000238.4(KCNH2):c.892_904del (p.Pro298fs)

Gene: KCNH2 (potassium voltage-gated channel subfamily H member 2; minus strand). Cytogenetic location: 7q36.1.
Variant type: Deletion.
Coding change: c.892_904del on transcript NM_000238.4 (MANE Select); coding-DNA positions 892 to 904, 13 bases deleted (CCGCCACCGCGCC).
Protein change: p.Pro298fs; shifts the reading frame from proline 298.
Molecular consequence: frameshift variant.
Genome position (GRCh38, 1-based): chr7:150,958,071-150,958,083, GGCGCGGTGGCGG deleted on the plus strand (CCGCCACCGCGCC on the coding strand, the reverse complement: KCNH2 is on the minus strand); deleting any 13 consecutive bases within chr7:150,958,071-150,958,085 gives the same sequence; the c. name uses the placement nearest the transcript's 3' end. VCF-style (leftmost placement, unchanged base first): chr7-150958070-TGGCGCGGTGGCGG-T. GRCh37 (hg19) VCF-style: chr7-150655158-TGGCGCGGTGGCGG-T.
Other names: c.602_614delCCCCGCCACCGCG, p.Pro202Thrfs (NM_001406753.1, NM_001406756.1); c.713_725delCCCCGCCACCGCG, p.Pro239Thrfs (NM_001406755.1); c.590_602delCCCCGCCACCGCG, p.Pro198Thrfs (NM_001406757.1); c.890_902delCCCCGCCACCGCG, p.Pro298Thrfs (NM_172056.3); c.892_904del13 (NM_000238.3); short protein forms P298fs.
Identifiers: ClinVar variation 1765131 (VCV001765131.2), dbSNP rs2486087905, ClinGen allele CA2580077683.
Genomic context (GRCh38, chr7:150,958,070, plus strand): 5'-AGCAGAAGAAGCGTGGGCTGGGGCGGAACGGGTCCCGCGGCGCCCTCACCGGTGCTGGCG[TGGCGCGGTGGCGG>T]GGGCAGCACCCCGGCGCGCATGGCCTCGATGTCGTCGGCCGACGAGGCGCGGCGCACGCT-3'

ClinVar aggregate classification (germline): Pathogenic (1 of 4 stars; one submission).

Conditions:
Cardiovascular phenotype. Identifiers: MedGen CN230736.

Submission:

Ambry Genetics
Classification: Pathogenic for Cardiovascular phenotype. Last evaluated: 2020-12-28. Review status: criteria provided, single submitter. Criteria: Ambry Variant Classification Scheme 2023. Collection method: clinical testing. Allele origin: germline.
Comment: The c.892_904del13 variant, located in coding exon 4 of the KCNH2 gene, results from a deletion of 13 nucleotides at nucleotide positions 892 to 904, causing a translational frameshift with a predicted alternate stop codon (p.P298Tfs*58). This alteration is expected to result in loss of function by premature protein truncation or nonsense-mediated mRNA decay. As such, this alteration is interpreted as a disease-causing mutation.